The following is an entry in ClinVar:

ClinVar aggregate classification (germline): Uncertain significance. Review status: criteria provided, multiple submitters, no conflicts (2 of 4 stars). 2 submissions from 2 submitters: Uncertain significance (2). Last evaluated 2025-09-11.

Conditions:
Inborn genetic diseases. Identifiers: MedGen C0950123, MeSH D030342.

Allele frequency attached by ClinVar (database versions not stated): ExAC 0.00001; gnomAD 0.00001; TOPMed 0.00001.

Submissions (2):

Ambry Genetics
Classification: Uncertain significance for Inborn genetic diseases. Last evaluated: 2025-09-11. Review status: criteria provided, single submitter. Criteria: Ambry Variant Classification Scheme 2023. Collection method: clinical testing. Allele origin: germline.

Labcorp Genetics (formerly Invitae), Labcorp
Classification: Uncertain significance. Last evaluated: 2022-05-27. Review status: criteria provided, single submitter. Criteria: Invitae Variant Classification Sherloc (09022015). Collection method: clinical testing. Allele origin: germline.
Comment: In summary, the available evidence is currently insufficient to determine the role of this variant in disease. Therefore, it has been classified as a Variant of Uncertain Significance. Algorithms developed to predict the effect of sequence changes on RNA splicing suggest that this variant may create or strengthen a splice site. Algorithms developed to predict the effect of missense changes on protein structure and function output the following: SIFT: "Tolerated"; PolyPhen-2: "Benign"; Align-GVGD: "Class C0". The serine amino acid residue is found in multiple mammalian species, which suggests that this missense change does not adversely affect protein function. This variant has not been reported in the literature in individuals affected with KIAA0753-related conditions. This variant is present in population databases (rs758152422, gnomAD 0.002%). This sequence change replaces asparagine, which is neutral and polar, with serine, which is neutral and polar, at codon 734 of the KIAA0753 protein (p.Asn734Ser).

NM_014804.3(KIAA0753):c.2201A>G (p.Asn734Ser)

Gene: KIAA0753 (KIAA0753; minus strand). Cytogenetic location: 17p13.1.
Variant type: single nucleotide variant.
Coding change: c.2201A>G on transcript NM_014804.3 (MANE Select); coding-DNA position 2201, A replaced by G.
Protein change: p.Asn734Ser; replaces asparagine 734 with serine.
Molecular consequence: missense variant. On other transcripts: non-coding transcript variant (3).
Genome position (GRCh38, 1-based): chr17:6,596,315, T>C on the plus strand (A>G on the coding strand, the complement: KIAA0753 is on the minus strand). VCF-style: chr17-6596315-T-C. GRCh37 (hg19) VCF-style: chr17-6499635-T-C.
Other names: c.2201A>G (NM_014804.2); c.1304A>G, p.Asn435Ser (NM_001351225.2); short protein forms N734S, N435S.
Identifiers: ClinVar variation 1919485 (VCV001919485.6), dbSNP rs758152422, ClinGen allele CA8330221.
Genomic context (GRCh38, chr17:6,596,315, plus strand): 5'-TGAGTCACAGCCCAGAGCTCACTGGCACAATCTTCCAAAAAATCATCAAGCTGACGAATG[T>C]TGTTGGATTCAAAATCAACAGCTGCAACCTACAAGATGGGGTGGGGTGGGGAGGAGAGGC-3'
Protein context (NP_055619.2, residues 724-744): EVAAVDFESN[Asn734Ser]IRQLDDFLED